The following is an entry in ClinVar:

NM_001242896.3(DEPDC5):c.3697-13A>G

Gene: DEPDC5 (DEP domain containing 5, GATOR1 subcomplex subunit; plus strand). Cytogenetic location: 22q12.3.
Variant type: single nucleotide variant.
Coding change: c.3697-13A>G on transcript NM_001242896.3 (MANE Select); 13 bases into the intron before coding-DNA position 3697, A replaced by G.
Molecular consequence: intron variant.
Genome position (GRCh38, 1-based): chr22:31,876,144, A>G. VCF-style: chr22-31876144-A-G. GRCh37 (hg19) VCF-style: chr22-32272130-A-G.
Other names: c.3697-13A>G (NM_001364318.2); c.3670-13A>G (NM_001136029.4); c.3604-13A>G (NM_014662.6, NM_001369903.1); c.3631-13A>G (NM_001363852.2, NM_001364320.2); c.3463-13A>G (NM_001363854.2, NM_001364319.2); c.3397-13A>G (NM_001242897.2); c.3613-13A>G (NM_001369902.1, NM_001369901.1).
Identifiers: ClinVar variation 2199366 (VCV002199366.12), dbSNP rs199645234, ClinGen allele CA10197074.
Genomic context (GRCh38, chr22:31,876,144, plus strand): 5'-CAGAGCATGACTGAGGGCTGCCCCTTCAAGATGCCTCTCTGCAGGAATTTCAGAGTTTCA[A>G]TGTCTCTCCTAGAAAATGCTGGAAGAGCAGCTCATCACACATGCATCTGGCGAAGCCTGG-3'

ClinVar aggregate classification (germline): Uncertain significance. Review status: criteria provided, multiple submitters, no conflicts (2 of 4 stars). 2 submissions from 2 submitters: Uncertain significance (2). Last evaluated 2025-06-01.

Conditions:
Familial focal epilepsy with variable foci (FPEVF). Identifiers: Orphanet 98820, MedGen C1858477, MONDO:0020310.

Allele frequency attached by ClinVar (database versions not stated): 1000 Genomes Project 30x 0.00016; 1000 Genomes Project 0.00020.
gnomAD v4.1: 28 of 1,613,144 alleles (0.0017%); highest among the groups gnomAD compares: East Asian, 0.0022%; no homozygotes.

Submissions (2):

CeGaT Center for Human Genetics Tuebingen
Classification: Uncertain significance. Last evaluated: 2025-06-01. Review status: criteria provided, single submitter. Criteria: CeGaT Center For Human Genetics Tuebingen Variant Classification Criteria Version 2. Collection method: clinical testing. Allele origin: germline. Affected: yes. Observed: 1 variant allele.
Comment: DEPDC5: PM2

Labcorp Genetics (formerly Invitae), Labcorp
Classification: Uncertain significance for Familial focal epilepsy with variable foci. Last evaluated: 2022-07-30. Review status: criteria provided, single submitter. Criteria: Invitae Variant Classification Sherloc (09022015). Collection method: clinical testing. Allele origin: germline.
Comment: This sequence change falls in intron 36 of the DEPDC5 gene. It does not directly change the encoded amino acid sequence of the DEPDC5 protein. This variant is present in population databases (rs199645234, gnomAD 0.007%). This variant has not been reported in the literature in individuals affected with DEPDC5-related conditions. Algorithms developed to predict the effect of sequence changes on RNA splicing suggest that this variant may disrupt the consensus splice site. In summary, the available evidence is currently insufficient to determine the role of this variant in disease. Therefore, it has been classified as a Variant of Uncertain Significance.